The following is an entry in ClinVar:

ClinVar aggregate classification (germline): Uncertain significance (1 of 4 stars; one submission).

gnomAD v4.1: 7 of 1,599,222 alleles (0.00044%); highest among the groups gnomAD compares: African/African-American, 0.008%; no homozygotes.

Submission:

Labcorp Genetics (formerly Invitae), Labcorp
Classification: Uncertain significance. Last evaluated: 2024-07-27. Review status: criteria provided, single submitter. Criteria: Invitae Variant Classification Sherloc (09022015). Collection method: clinical testing. Allele origin: germline.
Comment: This sequence change replaces proline, which is neutral and non-polar, with alanine, which is neutral and non-polar, at codon 972 of the MPDZ protein (p.Pro972Ala). This variant is not present in population databases (gnomAD no frequency). This variant has not been reported in the literature in individuals affected with MPDZ-related conditions. An algorithm developed to predict the effect of missense changes on protein structure and function (PolyPhen-2) suggests that this variant is likely to be tolerated. In summary, the available evidence is currently insufficient to determine the role of this variant in disease. Therefore, it has been classified as a Variant of Uncertain Significance.

NM_001378778.1(MPDZ):c.2914C>G (p.Pro972Ala)

Gene: MPDZ (multiple PDZ domain crumbs cell polarity complex component; minus strand). Cytogenetic location: 9p23.
Variant type: single nucleotide variant.
Coding change: c.2914C>G on transcript NM_001378778.1 (MANE Select); coding-DNA position 2914, C replaced by G.
Protein change: p.Pro972Ala; replaces proline 972 with alanine.
Molecular consequence: missense variant.
Genome position (GRCh38, 1-based): chr9:13,176,153, G>C on the plus strand (C>G on the coding strand, the complement: MPDZ is on the minus strand). VCF-style: chr9-13176153-G-C. GRCh37 (hg19) VCF-style: chr9-13176152-G-C.
Other names: c.2914C>G, p.Pro972Ala (NM_001261406.2, NM_001261407.2, NM_001330637.2 and 14 more transcripts); short protein forms P972A.
Identifiers: ClinVar variation 3678324 (VCV003678324.2).